The following is an entry in ClinVar:

NM_025243.4(SLC19A3):c.1314+3A>G

Gene: SLC19A3 (solute carrier family 19 member 3; minus strand). Cytogenetic location: 2q36.3.
Variant type: single nucleotide variant.
Coding change: c.1314+3A>G on transcript NM_025243.4 (MANE Select); 3 bases into the intron after coding-DNA position 1314, A replaced by G.
Molecular consequence: intron variant.
Genome position (GRCh38, 1-based): chr2:227,688,163, T>C on the plus strand (A>G on the coding strand, the complement: SLC19A3 is on the minus strand). VCF-style: chr2-227688163-T-C. GRCh37 (hg19) VCF-style: chr2-228552879-T-C.
Other names: c.1302+3A>G (NM_001371413.1, NM_001371414.1); c.1314+3A>G (NM_001371411.1, NM_001371412.1).
Identifiers: ClinVar variation 1496121 (VCV001496121.6), dbSNP rs2106318085, ClinGen allele CA2573135410.

ClinVar aggregate classification (germline): Uncertain significance (1 of 4 stars; one submission).

Conditions:
Biotin-responsive basal ganglia disease (BTBGD). Also called: Thiamine Transporter-2 Deficiency; Thiamine metabolism dysfunction syndrome type 2; THIAMINE METABOLISM DYSFUNCTION SYNDROME 2 (BIOTIN- AND THIAMINE-RESPONSIVE TYPE); Thiamine metabolism dysfunction syndrome 2 (biotin- or thiamine-responsive encephalopathy type 2); thiamine-responsive encephalopathy. Identifiers: Orphanet 199348, Orphanet 65284, MedGen C1843807, MONDO:0011841, OMIM 607483.

Submission:

Labcorp Genetics (formerly Invitae), Labcorp
Classification: Uncertain significance for Biotin-responsive basal ganglia disease. Last evaluated: 2022-12-06. Review status: criteria provided, single submitter. Criteria: Invitae Variant Classification Sherloc (09022015). Collection method: clinical testing. Allele origin: germline.
Comment: In summary, the available evidence is currently insufficient to determine the role of this variant in disease. Therefore, it has been classified as a Variant of Uncertain Significance. Variants that disrupt the consensus splice site are a relatively common cause of aberrant splicing (PMID: 17576681, 9536098). Algorithms developed to predict the effect of sequence changes on RNA splicing suggest that this variant is not likely to affect RNA splicing. ClinVar contains an entry for this variant (Variation ID: 1496121). This variant has not been reported in the literature in individuals affected with SLC19A3-related conditions. This variant is not present in population databases (gnomAD no frequency). This sequence change falls in intron 5 of the SLC19A3 gene. It does not directly change the encoded amino acid sequence of the SLC19A3 protein. It affects a nucleotide within the consensus splice site.

Literature cited by the submitters: PubMed 17576681; PubMed 9536098.